The following is an entry in ClinVar:

ClinVar aggregate classification (germline): Uncertain significance (1 of 4 stars; one submission).

gnomAD v4.1: 4 of 1,613,078 alleles (0.00025%); highest among the groups gnomAD compares: East Asian, 0.0089%; no homozygotes.

Submission:

Labcorp Genetics (formerly Invitae), Labcorp
Classification: Uncertain significance. Last evaluated: 2022-01-11. Review status: criteria provided, single submitter. Criteria: Invitae Variant Classification Sherloc (09022015). Collection method: clinical testing. Allele origin: germline.
Comment: This variant has not been reported in the literature in individuals affected with YME1L1-related conditions. In summary, the available evidence is currently insufficient to determine the role of this variant in disease. Therefore, it has been classified as a Variant of Uncertain Significance. Algorithms developed to predict the effect of missense changes on protein structure and function output the following: SIFT: "Tolerated"; PolyPhen-2: "Benign"; Align-GVGD: "Class C0". The leucine amino acid residue is found in multiple mammalian species, which suggests that this missense change does not adversely affect protein function. This variant is present in population databases (rs753432173, gnomAD 0.02%). This sequence change replaces proline, which is neutral and non-polar, with leucine, which is neutral and non-polar, at codon 113 of the YME1L1 protein (p.Pro113Leu).

NM_014263.4(YME1L1):c.168+1407C>T

Gene: YME1L1 (YME1 like 1 ATPase; minus strand). Cytogenetic location: 10p12.1.
Variant type: single nucleotide variant.
Coding change: c.168+1407C>T on transcript NM_014263.4 (MANE Select); 1407 bases into the intron after coding-DNA position 168, C replaced by T.
Molecular consequence: intron variant. On other transcripts: missense variant (1).
Genome position (GRCh38, 1-based): chr10:27,147,499, G>A on the plus strand (C>T on the coding strand, the complement: YME1L1 is on the minus strand). VCF-style: chr10-27147499-G-A. GRCh37 (hg19) VCF-style: chr10-27436428-G-A.
Other names: c.338C>T, p.Pro113Leu (NM_139312.3); c.168+1407C>T (NM_001253866.2); short protein forms P113L.
Identifiers: ClinVar variation 1395087 (VCV001395087.7), dbSNP rs753432173, ClinGen allele CA5449702.
Genomic context (GRCh38, chr10:27,147,499, plus strand): 5'-AAGAACGATGGACAAAACAAATCATAGACAATAGGCATTTGGAGAAACCCGCAGTGTACA[G>A]GGATTGAGAGGGAGAAGGGTTCTGGACGGATGTGCCAGTTATCGGTTGTGTCCAAGCTCT-3'